The following is an entry in ClinVar:

ClinVar aggregate classification (germline): Uncertain significance (1 of 4 stars; one submission).

Allele frequency attached by ClinVar (database versions not stated): TOPMed 0.00001.

Submission:

Labcorp Genetics (formerly Invitae), Labcorp
Classification: Uncertain significance. Last evaluated: 2022-04-06. Review status: criteria provided, single submitter. Criteria: Invitae Variant Classification Sherloc (09022015). Collection method: clinical testing. Allele origin: germline.
Comment: This sequence change replaces proline, which is neutral and non-polar, with serine, which is neutral and polar, at codon 1563 of the COL27A1 protein (p.Pro1563Ser). This variant is not present in population databases (gnomAD no frequency). This variant has not been reported in the literature in individuals affected with COL27A1-related conditions. Advanced modeling of protein sequence and biophysical properties (such as structural, functional, and spatial information, amino acid conservation, physicochemical variation, residue mobility, and thermodynamic stability) performed at Invitae indicates that this missense variant is not expected to disrupt COL27A1 protein function. In summary, the available evidence is currently insufficient to determine the role of this variant in disease. Therefore, it has been classified as a Variant of Uncertain Significance.

NM_032888.4(COL27A1):c.4687C>T (p.Pro1563Ser)

Gene: COL27A1 (collagen type XXVII alpha 1 chain; plus strand). Cytogenetic location: 9q32.
Variant type: single nucleotide variant.
Coding change: c.4687C>T on transcript NM_032888.4 (MANE Select); coding-DNA position 4687, C replaced by T.
Protein change: p.Pro1563Ser; replaces proline 1563 with serine.
Molecular consequence: missense variant.
Genome position (GRCh38, 1-based): chr9:114,300,673, C>T. VCF-style: chr9-114300673-C-T. GRCh37 (hg19) VCF-style: chr9-117062953-C-T.
Other names: short protein forms P1563S.
Identifiers: ClinVar variation 2121902 (VCV002121902.1), dbSNP rs1343464970, ClinGen allele CA374592546.